The following is an entry in ClinVar:

ClinVar aggregate classification (germline): Uncertain significance. Review status: criteria provided, multiple submitters, no conflicts (2 of 4 stars). 2 submissions from 2 submitters: Uncertain significance (2). Last evaluated 2025-05-05.

Conditions:
Hereditary cancer-predisposing syndrome. Also called: Hereditary neoplastic syndrome; Neoplastic Syndromes, Hereditary; Hereditary Cancer Syndrome; Tumor predisposition. Identifiers: Orphanet 140162, MedGen C0027672, MeSH D009386, MONDO:0015356.
Neuroblastoma, susceptibility to, 3. Also called: ALK-Related Neuroblastic Tumor Susceptibility. Identifiers: Orphanet 635, MedGen C2751681, MONDO:0013083, OMIM 613014.

gnomAD v4.1: 3 of 1,606,276 alleles (0.00019%); highest among the groups gnomAD compares: East Asian, 0.0045%; no homozygotes.

Submissions (2):

Labcorp Genetics (formerly Invitae), Labcorp
Classification: Uncertain significance for Neuroblastoma, susceptibility to, 3. Last evaluated: 2025-05-05. Review status: criteria provided, single submitter. Criteria: Invitae Variant Classification Sherloc (09022015). Collection method: clinical testing. Allele origin: germline.
Comment: This sequence change replaces arginine, which is basic and polar, with tryptophan, which is neutral and slightly polar, at codon 136 of the ALK protein (p.Arg136Trp). The frequency data for this variant in the population databases is considered unreliable, as metrics indicate poor data quality at this position in the gnomAD database. This variant has not been reported in the literature in individuals affected with ALK-related conditions. ClinVar contains an entry for this variant (Variation ID: 1394913). An algorithm developed to predict the effect of missense changes on protein structure and function (PolyPhen-2) suggests that this variant is likely to be disruptive. In summary, the available evidence is currently insufficient to determine the role of this variant in disease. Therefore, it has been classified as a Variant of Uncertain Significance.

Ambry Genetics
Classification: Uncertain significance for Hereditary cancer-predisposing syndrome. Last evaluated: 2025-01-03. Review status: criteria provided, single submitter. Criteria: Ambry Variant Classification Scheme 2023. Collection method: clinical testing. Allele origin: germline.
Comment: The p.R136W variant (also known as c.406C>T), located in coding exon 1 of the ALK gene, results from a C to T substitution at nucleotide position 406. The arginine at codon 136 is replaced by tryptophan, an amino acid with dissimilar properties. This amino acid position is highly conserved in available vertebrate species. In addition, this alteration is predicted to be deleterious by in silico analysis. Based on the available evidence, the clinical significance of this variant remains unclear.

NM_004304.5(ALK):c.406C>T (p.Arg136Trp)

Gene: ALK (ALK receptor tyrosine kinase; minus strand). Cytogenetic location: 2p23.1.
Variant type: single nucleotide variant.
Coding change: c.406C>T on transcript NM_004304.5 (MANE Select); coding-DNA position 406, C replaced by T.
Protein change: p.Arg136Trp; replaces arginine 136 with tryptophan.
Molecular consequence: missense variant.
Genome position (GRCh38, 1-based): chr2:29,920,254, G>A on the plus strand (C>T on the coding strand, the complement: ALK is on the minus strand). VCF-style: chr2-29920254-G-A. GRCh37 (hg19) VCF-style: chr2-30143120-G-A.
Other names: c.406C>T (NM_004304.4); short protein forms R136W.
Identifiers: ClinVar variation 1394913 (VCV001394913.7), dbSNP rs1386626390, ClinGen allele CA346590109.
Genomic context (GRCh38, chr2:29,920,254, plus strand): 5'-CGACGCAACCCTCCAAGATCGCCTCCTCGCCCAGCTCCAGCACCAACTGCTTGGCACGCC[G>A]GAGCTTGCGCACGGAGCCGCCCTTCAGCACCCTGGACAGCGTCCGGGCCTCTGCCGGGGC-3'
Protein context (NP_004295.2, residues 126-146): VLKGGSVRKL[Arg136Trp]RAKQLVLELG